The following is an entry in ClinVar:

ClinVar aggregate classification (germline): Uncertain significance. Review status: criteria provided, multiple submitters, no conflicts (2 of 4 stars). 3 submissions from 3 submitters: Uncertain significance (3). Last evaluated 2024-08-20.

Conditions:
Inborn genetic diseases. Identifiers: MedGen C0950123, MeSH D030342.
Desbuquois dysplasia 1 (DBQD1). Also called: MICROMELIC DWARFISM WITH VERTEBRAL AND METAPHYSEAL ABNORMALITIES AND ADVANCED CARPOTARSAL OSSIFICATION; DESBUQUOIS DYSPLASIA 1, KIM VARIANT. Identifiers: Orphanet 1425, MedGen C4012146, MONDO:0009629, OMIM 251450.

Allele frequency attached by ClinVar (database versions not stated): gnomAD 0.00001; gnomAD exomes 0.00002; TOPMed 0.00002; ExAC 0.00003.

Submissions (3):

Ambry Genetics
Classification: Uncertain significance for Inborn genetic diseases. Last evaluated: 2024-08-20. Review status: criteria provided, single submitter. Criteria: Ambry Variant Classification Scheme 2023. Collection method: clinical testing. Allele origin: germline.

Blueprint Genetics
Classification: Uncertain significance. Last evaluated: 2023-05-04. Review status: criteria provided, single submitter. Criteria: ACMG Guidelines, 2015. Collection method: clinical testing. Allele origin: germline.

Labcorp Genetics (formerly Invitae), Labcorp
Classification: Uncertain significance for Desbuquois dysplasia 1. Last evaluated: 2021-06-14. Review status: criteria provided, single submitter. Criteria: Invitae Variant Classification Sherloc (09022015). Collection method: clinical testing. Allele origin: germline.
Comment: This sequence change replaces arginine with histidine at codon 363 of the XYLT1 protein (p.Arg363His). The arginine residue is highly conserved and there is a small physicochemical difference between arginine and histidine. This variant is present in population databases (rs750025305, ExAC 0.007%). This variant has not been reported in the literature in individuals with XYLT1-related conditions. Algorithms developed to predict the effect of missense changes on protein structure and function (SIFT, PolyPhen-2, Align-GVGD) all suggest that this variant is likely to be disruptive, but these predictions have not been confirmed by published functional studies and their clinical significance is uncertain. In summary, the available evidence is currently insufficient to determine the role of this variant in disease. Therefore, it has been classified as a Variant of Uncertain Significance.

NM_022166.4(XYLT1):c.1088G>A (p.Arg363His)

Gene: XYLT1 (xylosyltransferase 1; minus strand). Cytogenetic location: 16p12.3.
Variant type: single nucleotide variant.
Coding change: c.1088G>A on transcript NM_022166.4 (MANE Select); coding-DNA position 1088, G replaced by A.
Protein change: p.Arg363His; replaces arginine 363 with histidine.
Molecular consequence: missense variant.
Genome position (GRCh38, 1-based): chr16:17,198,413, C>T on the plus strand (G>A on the coding strand, the complement: XYLT1 is on the minus strand). VCF-style: chr16-17198413-C-T. GRCh37 (hg19) VCF-style: chr16-17292270-C-T.
Other names: c.1088G>A (NM_022166.3); short protein forms R363H.
Identifiers: ClinVar variation 1498281 (VCV001498281.9), dbSNP rs750025305, ClinGen allele CA7928012.